The following is an entry in ClinVar:

NM_183050.4(BCKDHB):c.*627T>C

Gene: BCKDHB (branched chain keto acid dehydrogenase E1 subunit beta; plus strand). Cytogenetic location: 6q14.1.
Variant type: single nucleotide variant.
Coding change: c.*627T>C on transcript NM_183050.4 (MANE Select); 627 bases downstream of the stop codon, T replaced by C.
Molecular consequence: 3 prime UTR variant. On other transcripts: non-coding transcript variant (1), intron variant (1).
Genome position (GRCh38, 1-based): chr6:80,344,431, T>C. VCF-style: chr6-80344431-T-C. GRCh37 (hg19) VCF-style: chr6-81054148-T-C.
Other names: c.*627T>C (NM_001318975.1); c.*8+619T>C (NM_000056.5).
Identifiers: ClinVar variation 358185 (VCV000358185.5), dbSNP rs4706838, ClinGen allele CA10627773.
Genomic context (GRCh38, chr6:80,344,431, plus strand): 5'-GAGTCTCACTCTGTCACCAGGCTGGAGTGCAGTGGTGCGATCTTGGCTCATGGCAACCTC[T>C]GCCTCCCAGGTTCAAGCGATTGTCCTGCCTCAGTCTCCTGAGTAGCTGGGACTACAGGTG-3'

ClinVar aggregate classification (germline): Benign (1 of 4 stars; one submission).

Conditions:
Maple syrup urine disease (MSUD). Identifiers: Orphanet 511, MedGen C0024776, MeSH D008375, MONDO:0009563. Disease mechanism: loss of function.

Allele frequency attached by ClinVar (database versions not stated): 1000 Genomes Project 0.71526; 1000 Genomes Project 30x 0.71814; gnomAD 0.77721 and 0.78227; TOPMed 0.77914.

Submission:

Illumina Laboratory Services, Illumina
Classification: Benign for Maple syrup urine disease type 1A. Last evaluated: 2018-01-13. Review status: criteria provided, single submitter. Criteria: ICSL Variant Classification Criteria 13 December 2019. Collection method: clinical testing. Allele origin: germline.
Comment: This variant was observed in the ICSL laboratory as part of a predisposition screen in an ostensibly healthy population. It had not been previously curated by ICSL or reported in the Human Gene Mutation Database (HGMD: prior to June 1st, 2018), and was therefore a candidate for classification through an automated scoring system. Utilizing variant allele frequency, disease prevalence and penetrance estimates, and inheritance mode, an automated score was calculated to assess if this variant is too frequent to cause the disease. Based on the score and internal cut-off values, a variant classified as benign is not then subjected to further curation. The score for this variant resulted in a classification of benign for this disease.